The following is an entry in ClinVar:

NM_000053.4(ATP7B):c.913T>C (p.Cys305Arg)

Gene: ATP7B (ATPase copper transporting beta; minus strand). Cytogenetic location: 13q14.3.
Variant type: single nucleotide variant.
Coding change: c.913T>C on transcript NM_000053.4 (MANE Select); coding-DNA position 913, T replaced by C.
Protein change: p.Cys305Arg; replaces cysteine 305 with arginine.
Molecular consequence: missense variant. On other transcripts: intron variant (1).
Genome position (GRCh38, 1-based): chr13:51,974,307, A>G on the plus strand (T>C on the coding strand, the complement: ATP7B is on the minus strand). VCF-style: chr13-51974307-A-G. GRCh37 (hg19) VCF-style: chr13-52548443-A-G.
Other names: c.913T>C, p.Cys305Arg (NM_001005918.3, NM_001330578.2, NM_001330579.2 and 29 more transcripts); c.817T>C, p.Cys273Arg (NM_001406517.1, NM_001406518.1, NM_001406530.1 and 3 more transcripts); c.802+111T>C (NM_001243182.2); short protein forms C273R, C305R.
Identifiers: ClinVar variation 1937543 (VCV001937543.5), dbSNP rs2547816991, ClinGen allele CA388040433.

ClinVar aggregate classification (germline): Uncertain significance (1 of 4 stars; one submission).

Conditions:
Wilson disease (WND). Also called: Wilson's disease. Identifiers: Orphanet 905, MedGen C0019202, MONDO:0010200, OMIM 277900. Disease mechanism: loss of function.

Submission:

Labcorp Genetics (formerly Invitae), Labcorp
Classification: Uncertain significance for Wilson disease. Last evaluated: 2021-12-19. Review status: criteria provided, single submitter. Criteria: Invitae Variant Classification Sherloc (09022015). Collection method: clinical testing. Allele origin: germline.
Comment: This sequence change replaces cysteine, which is neutral and slightly polar, with arginine, which is basic and polar, at codon 305 of the ATP7B protein (p.Cys305Arg). In summary, the available evidence is currently insufficient to determine the role of this variant in disease. Therefore, it has been classified as a Variant of Uncertain Significance. Advanced modeling of protein sequence and biophysical properties (such as structural, functional, and spatial information, amino acid conservation, physicochemical variation, residue mobility, and thermodynamic stability) performed at Invitae indicates that this missense variant is not expected to disrupt ATP7B protein function. This variant has not been reported in the literature in individuals affected with ATP7B-related conditions. This variant is not present in population databases (gnomAD no frequency).